The following is an entry in ClinVar:

NM_000384.3(APOB):c.3854T>C (p.Val1285Ala)

Gene: APOB (apolipoprotein B; minus strand). Cytogenetic location: 2p24.1.
Variant type: single nucleotide variant.
Coding change: c.3854T>C on transcript NM_000384.3 (MANE Select); coding-DNA position 3854, T replaced by C.
Protein change: p.Val1285Ala; replaces valine 1285 with alanine.
Molecular consequence: missense variant.
Genome position (GRCh38, 1-based): chr2:21,013,522, A>G on the plus strand (T>C on the coding strand, the complement: APOB is on the minus strand). VCF-style: chr2-21013522-A-G. GRCh37 (hg19) VCF-style: chr2-21236394-A-G.
Other names: short protein forms V1285A.
Identifiers: ClinVar variation 1735547 (VCV001735547.2), dbSNP rs2465381750, ClinGen allele CA346008138.

ClinVar aggregate classification (germline): Uncertain significance (1 of 4 stars; one submission).

Conditions:
Cardiovascular phenotype. Identifiers: MedGen CN230736.

Submission:

Ambry Genetics
Classification: Uncertain significance for Cardiovascular phenotype. Last evaluated: 2022-06-27. Review status: criteria provided, single submitter. Criteria: Ambry Variant Classification Scheme 2023. Collection method: clinical testing. Allele origin: germline.
Comment: The p.V1285A variant (also known as c.3854T>C), located in coding exon 25 of the APOB gene, results from a T to C substitution at nucleotide position 3854. The valine at codon 1285 is replaced by alanine, an amino acid with similar properties. This amino acid position is conserved. In addition, this alteration is predicted to be tolerated by in silico analysis. Since supporting evidence is limited at this time, the clinical significance of this alteration remains unclear.